The following is an entry in ClinVar:

ClinVar aggregate classification (germline): Benign. Review status: criteria provided, multiple submitters, no conflicts (2 of 4 stars). 8 submissions from 7 submitters: Benign (8). Last evaluated 2024-11-28.

Conditions:
Developmental and epileptic encephalopathy, 85, with or without midline brain defects. Also called: EPILEPTIC ENCEPHALOPATHY, EARLY INFANTILE, 85, WITH OR WITHOUT MIDLINE BRAIN DEFECTS. Identifiers: MedGen C5393312, MONDO:0026771, OMIM 301044.
Congenital muscular hypertrophy-cerebral syndrome (CDLS2). Also called: Cornelia de Lange syndrome 2; SMC1A-Related Cornelia de Lange Syndrome. Identifiers: Orphanet 199, MedGen C1802395, MONDO:0010370, OMIM 300590.

Allele frequency attached by ClinVar (database versions not stated): 1000 Genomes Project 30x 0.39209; 1000 Genomes Project 0.39841; ESP Exome Variant Server 0.40604; TOPMed 0.41709; gnomAD 0.42752 and 0.43393; ExAC 0.51629; gnomAD exomes 0.52260.

Submissions (8):

Blueprint Genetics
Classification: Benign. Last evaluated: 2024-11-28. Review status: criteria provided, single submitter. Criteria: ACMG Guidelines, 2015. Collection method: clinical testing. Allele origin: germline.

Unidad de Genómica Garrahan, Hospital de Pediatría Garrahan
Classification: Benign. Last evaluated: 2024-07-15. Review status: criteria provided, single submitter. Criteria: ACMG Guidelines, 2015. Collection method: clinical testing. Allele origin: germline. Affected: no. Observed: 35 variant alleles.
Comment: This variant is classified as Benign based on local population frequency. This variant was detected in 38% of patients studied in a panel designed for Epileptic and Developmental Encephalopathy and Progressive Myoclonus Epilepsy. Number of patients: 35. Only high quality variants are reported.

Genome-Nilou Lab
Classification: Benign for Congenital muscular hypertrophy-cerebral syndrome. Last evaluated: 2021-07-15. Review status: criteria provided, single submitter. Criteria: ACMG Guidelines, 2015. Collection method: clinical testing. Allele origin: germline. Affected: no.

Genome-Nilou Lab
Classification: Benign for Developmental and epileptic encephalopathy, 85, with or without midline brain defects. Last evaluated: 2021-07-15. Review status: criteria provided, single submitter. Criteria: ACMG Guidelines, 2015. Collection method: clinical testing. Allele origin: germline. Affected: no.

GeneDx
Classification: Benign. Last evaluated: 2015-03-03. Review status: criteria provided, single submitter. Criteria: GeneDx Variant Classification Process June 2021. Collection method: clinical testing. Allele origin: germline. Affected: yes.

Eurofins Ntd Llc (ga)
Classification: Benign. Last evaluated: 2014-08-18. Review status: criteria provided, single submitter. Criteria: EGL Classification Definitions 2015. Collection method: clinical testing. Allele origin: germline. Observed: 27 variant alleles, 3 heterozygotes, 5 homozygotes, 19 hemizygotes.

Breakthrough Genomics
Classification: Benign. Review status: criteria provided, single submitter. Criteria: ACMG Guidelines, 2015. Collection method: not provided. Allele origin: germline. Inheritance: X-linked inheritance. Affected: yes.

PreventionGenetics, part of Exact Sciences
Classification: Benign. Review status: criteria provided, single submitter. Criteria: ACMG Guidelines, 2015. Collection method: clinical testing. Allele origin: germline.

NM_006306.4(SMC1A):c.-19C>T

Gene: SMC1A (structural maintenance of chromosomes 1A; minus strand). Cytogenetic location: Xp11.22.
Variant type: single nucleotide variant.
Coding change: c.-19C>T on transcript NM_006306.4 (MANE Select); 19 bases upstream of the start codon, C replaced by T.
Molecular consequence: 5 prime UTR variant.
Genome position (GRCh38, 1-based): chrX:53,422,619, G>A on the plus strand (C>T on the coding strand, the complement: SMC1A is on the minus strand). VCF-style: chrX-53422619-G-A. GRCh37 (hg19) VCF-style: chrX-53449568-G-A.
Other names: c.-231C>T (NM_001281463.1).
Identifiers: ClinVar variation 95364 (VCV000095364.15), dbSNP rs1264011, ClinGen allele CA148479.